The following is an entry in ClinVar:

NM_024417.5(FDXR):c.1356A>G (p.Pro452=)

Gene: FDXR (ferredoxin reductase; minus strand). Cytogenetic location: 17q25.1.
Variant type: single nucleotide variant.
Coding change: c.1356A>G on transcript NM_024417.5 (MANE Select); coding-DNA position 1356, A replaced by G.
Protein change: p.Pro452=; no amino-acid change (proline 452 retained).
Molecular consequence: synonymous variant. On other transcripts: non-coding transcript variant (1).
Genome position (GRCh38, 1-based): chr17:74,862,937, T>C on the plus strand (A>G on the coding strand, the complement: FDXR is on the minus strand). VCF-style: chr17-74862937-T-C. GRCh37 (hg19) VCF-style: chr17-72859059-T-C.
Other names: p.Pro452=; c.1485A>G, p.Pro495= (NM_001258012.4); c.1449A>G, p.Pro483= (NM_001258013.4); c.1332A>G, p.Pro444= (NM_001258014.4); c.1236A>G, p.Pro412= (NM_001258015.3); c.1200A>G, p.Pro400= (NM_001258016.3); c.1374A>G, p.Pro458= (NM_004110.6); c.1356A>G (NM_024417.4).
Identifiers: ClinVar variation 785578 (VCV000785578.8), dbSNP rs34435361, ClinGen allele CA8752835.

ClinVar aggregate classification (germline): Benign. Review status: criteria provided, multiple submitters, no conflicts (2 of 4 stars). 4 submissions from 4 submitters: Benign (3). 1 of the submissions does not count toward it. Last evaluated 2024-04-30.

Conditions:
FDXR-related disorder. Also called: FDXR-related condition; FDXR-related disorders.

Allele frequency attached by ClinVar (database versions not stated): gnomAD exomes 0.00134 and 0.00325; ExAC 0.00409; gnomAD 0.01271 and 0.01349; TOPMed 0.01450; 1000 Genomes Project 0.01518; ESP Exome Variant Server 0.01569; 1000 Genomes Project 30x 0.01577.
gnomAD v4.1: 3,981 of 1,612,124 alleles (0.25%); highest among the groups gnomAD compares: African/African-American, 4.3%; 79 homozygotes.

Submissions (4):

Mayo Clinic Laboratories, Mayo Clinic
Classification: Benign. Last evaluated: 2024-04-30. Review status: criteria provided, single submitter. Criteria: ACMG Guidelines, 2015. Collection method: clinical testing. Allele origin: germline. Observed: 6 variant alleles.
Comment: BA1, BS2

Labcorp Genetics (formerly Invitae), Labcorp
Classification: Benign. Last evaluated: 2019-12-31. Review status: criteria provided, single submitter. Criteria: Invitae Variant Classification Sherloc (09022015). Collection method: clinical testing. Allele origin: germline.

Breakthrough Genomics
Classification: Benign. Review status: criteria provided, single submitter. Criteria: ACMG Guidelines, 2015. Collection method: not provided. Allele origin: germline. Inheritance: Autosomal recessive inheritance. Affected: yes.

PreventionGenetics, part of Exact Sciences
Classification: Benign for FDXR-related condition. Last evaluated: 2019-07-30. Review status: no assertion criteria provided. Collection method: clinical testing. Allele origin: germline. Not counted in ClinVar's aggregate classification.
Comment: This variant is classified as benign based on ACMG/AMP sequence variant interpretation guidelines (Richards et al. 2015 PMID: 25741868, with internal and published modifications).